The following is an entry in ClinVar:

NM_002161.6(IARS1):c.2057G>A (p.Arg686Lys)

Gene: IARS1 (isoleucyl-tRNA synthetase 1; minus strand). Cytogenetic location: 9q22.31.
Variant type: single nucleotide variant.
Coding change: c.2057G>A on transcript NM_002161.6 (MANE Select); coding-DNA position 2057, G replaced by A.
Protein change: p.Arg686Lys; replaces arginine 686 with lysine.
Molecular consequence: missense variant. On other transcripts: non-coding transcript variant (1).
Genome position (GRCh38, 1-based): chr9:92,256,760, C>T on the plus strand (G>A on the coding strand, the complement: IARS1 is on the minus strand). VCF-style: chr9-92256760-C-T. GRCh37 (hg19) VCF-style: chr9-95019042-C-T.
Other names: c.2057G>A, p.Arg686Lys (NM_001374299.1, NM_001374300.1, NM_001378572.1 and 13 more transcripts); c.1973G>A, p.Arg658Lys (NM_001374301.1); c.2120G>A, p.Arg707Lys (NM_001378569.1); c.2078G>A, p.Arg693Lys (NM_001378571.1); c.1934G>A, p.Arg645Lys (NM_001378583.1); c.2057G>A (NM_013417.2); short protein forms R658K, R686K, R707K, R693K, R645K.
Identifiers: ClinVar variation 2072100 (VCV002072100.2), dbSNP rs149009678, ClinGen allele CA5122393.
Genomic context (GRCh38, chr9:92,256,760, plus strand): 5'-AAGCCAATGAGAGACTGCATGAAGGACAGGATCCACCGGTCTGTAATGTTGGGGCTTTCT[C>T]TAACCGTGTTCTCATTGTAGAGAAATTCTATTTCTTCCTCCTAGGAAGGAACAATTAATG-3'
Protein context (NP_002152.2, residues 676-696): IEFLYNENTV[Arg686Lys]ESPNITDRWI

ClinVar aggregate classification (germline): Conflicting classifications of pathogenicity. Review status: criteria provided, conflicting classifications (1 of 4 stars). 2 submissions from 2 submitters: Uncertain significance (1); Likely benign (1). Last evaluated 2025-05-05.

Allele frequency attached by ClinVar (database versions not stated): gnomAD 0.00009; ExAC 0.00002; TOPMed 0.00006; ESP Exome Variant Server 0.00008.

Submissions (2):

Ambry Genetics
Classification: Likely benign. Last evaluated: 2025-05-05. Review status: criteria provided, single submitter. Criteria: Ambry Variant Classification Scheme 2023. Collection method: clinical testing. Allele origin: germline.

Labcorp Genetics (formerly Invitae), Labcorp
Classification: Uncertain significance. Last evaluated: 2022-08-05. Review status: criteria provided, single submitter. Criteria: Invitae Variant Classification Sherloc (09022015). Collection method: clinical testing. Allele origin: germline.
Comment: This sequence change replaces arginine, which is basic and polar, with lysine, which is basic and polar, at codon 686 of the IARS protein (p.Arg686Lys). This variant is present in population databases (rs149009678, gnomAD 0.007%). This variant has not been reported in the literature in individuals affected with IARS-related conditions. Algorithms developed to predict the effect of missense changes on protein structure and function output the following: SIFT: "Tolerated"; PolyPhen-2: "Benign"; Align-GVGD: "Class C0". The lysine amino acid residue is found in multiple mammalian species, which suggests that this missense change does not adversely affect protein function. In summary, the available evidence is currently insufficient to determine the role of this variant in disease. Therefore, it has been classified as a Variant of Uncertain Significance.